The following is an entry in ClinVar:

ClinVar aggregate classification (germline): Uncertain significance (1 of 4 stars; one submission).

Submission:

GeneDx
Classification: Uncertain significance. Last evaluated: 2025-07-14. Review status: criteria provided, single submitter. Criteria: GeneDx Variant Classification Process June 2021. Collection method: clinical testing. Allele origin: germline. Affected: yes.
Comment: In silico analysis supports that this missense variant has a deleterious effect on protein structure/function; Has not been previously published as pathogenic or benign to our knowledge

NM_014822.4(SEC24D):c.1309C>T (p.Pro437Ser)

Gene: SEC24D (SEC24 homolog D, COPII component; minus strand). Cytogenetic location: 4q26.
Variant type: single nucleotide variant.
Coding change: c.1309C>T on transcript NM_014822.4 (MANE Select); coding-DNA position 1309, C replaced by T.
Protein change: p.Pro437Ser; replaces proline 437 with serine.
Molecular consequence: missense variant.
Genome position (GRCh38, 1-based): chr4:118,757,833, G>A on the plus strand (C>T on the coding strand, the complement: SEC24D is on the minus strand). VCF-style: chr4-118757833-G-A. GRCh37 (hg19) VCF-style: chr4-119678988-G-A.
Other names: c.1312C>T, p.Pro438Ser (NM_001318066.2); short protein forms P437S, P438S.
Identifiers: ClinVar variation 4686361 (VCV004686361.1).